The following is an entry in ClinVar:

NM_018180.3(DHX32):c.269G>T (p.Gly90Val)

Gene: DHX32 (DEAH-box helicase 32 (putative); minus strand). Cytogenetic location: 10q26.2.
Variant type: single nucleotide variant.
Coding change: c.269G>T on transcript NM_018180.3 (MANE Select); coding-DNA position 269, G replaced by T.
Protein change: p.Gly90Val; replaces glycine 90 with valine.
Molecular consequence: missense variant.
Genome position (GRCh38, 1-based): chr10:125,880,556, C>A on the plus strand (G>T on the coding strand, the complement: DHX32 is on the minus strand). VCF-style: chr10-125880556-C-A. GRCh37 (hg19) VCF-style: chr10-127569125-C-A.
Other names: short protein forms G90V.
Identifiers: ClinVar variation 1424432 (VCV001424432.6), dbSNP rs2134073450, ClinGen allele CA378667902.

ClinVar aggregate classification (germline): Uncertain significance (1 of 4 stars; one submission).

Submission:

Labcorp Genetics (formerly Invitae), Labcorp
Classification: Uncertain significance. Last evaluated: 2024-10-16. Review status: criteria provided, single submitter. Criteria: Invitae Variant Classification Sherloc (09022015). Collection method: clinical testing. Allele origin: germline.
Comment: This sequence change replaces glycine, which is neutral and non-polar, with valine, which is neutral and non-polar, at codon 90 of the DHX32 protein (p.Gly90Val). This variant is not present in population databases (gnomAD no frequency). This variant has not been reported in the literature in individuals affected with DHX32-related conditions. ClinVar contains an entry for this variant (Variation ID: 1424432). An algorithm developed to predict the effect of missense changes on protein structure and function (PolyPhen-2) suggests that this variant is likely to be disruptive. In summary, the available evidence is currently insufficient to determine the role of this variant in disease. Therefore, it has been classified as a Variant of Uncertain Significance.